The following is an entry in ClinVar:

NM_004727.3(SLC24A1):c.1285C>T (p.Pro429Ser)

Gene: SLC24A1 (solute carrier family 24 member 1; plus strand). Cytogenetic location: 15q22.31.
Variant type: single nucleotide variant.
Coding change: c.1285C>T on transcript NM_004727.3 (MANE Select); coding-DNA position 1285, C replaced by T.
Protein change: p.Pro429Ser; replaces proline 429 with serine.
Molecular consequence: missense variant.
Genome position (GRCh38, 1-based): chr15:65,625,365, C>T. VCF-style: chr15-65625365-C-T. GRCh37 (hg19) VCF-style: chr15-65917703-C-T.
Other names: c.1285C>T, p.Pro429Ser (NM_001301031.1, NM_001301032.1, NM_001301033.2 and 1 more transcripts); c.1285C>T (NM_004727.2); short protein forms P429S.
Identifiers: ClinVar variation 2108821 (VCV002108821.5), dbSNP rs2548358536, ClinGen allele CA392917139.

ClinVar aggregate classification (germline): Uncertain significance. Review status: criteria provided, multiple submitters, no conflicts (2 of 4 stars). 2 submissions from 2 submitters: Uncertain significance (2). Last evaluated 2025-06-18.

Conditions:
Inborn genetic diseases. Identifiers: MedGen C0950123, MeSH D030342.

Submissions (2):

Ambry Genetics
Classification: Uncertain significance for Inborn genetic diseases. Last evaluated: 2025-06-18. Review status: criteria provided, single submitter. Criteria: Ambry Variant Classification Scheme 2023. Collection method: clinical testing. Allele origin: germline.

Labcorp Genetics (formerly Invitae), Labcorp
Classification: Uncertain significance. Last evaluated: 2022-05-12. Review status: criteria provided, single submitter. Criteria: Invitae Variant Classification Sherloc (09022015). Collection method: clinical testing. Allele origin: germline.
Comment: This sequence change replaces proline, which is neutral and non-polar, with serine, which is neutral and polar, at codon 429 of the SLC24A1 protein (p.Pro429Ser). This variant is not present in population databases (gnomAD no frequency). This variant has not been reported in the literature in individuals affected with SLC24A1-related conditions. Algorithms developed to predict the effect of missense changes on protein structure and function output the following: SIFT: "Tolerated"; PolyPhen-2: "Benign"; Align-GVGD: "Class C0". The serine amino acid residue is found in multiple mammalian species, which suggests that this missense change does not adversely affect protein function. In summary, the available evidence is currently insufficient to determine the role of this variant in disease. Therefore, it has been classified as a Variant of Uncertain Significance.